The following is an entry in ClinVar:

NM_004100.5(EYA4):c.1042G>A (p.Gly348Arg)

Gene: EYA4 (EYA transcriptional coactivator and phosphatase 4; plus strand). Cytogenetic location: 6q23.2.
Variant type: single nucleotide variant.
Coding change: c.1042G>A on transcript NM_004100.5 (MANE Select); coding-DNA position 1042, G replaced by A.
Protein change: p.Gly348Arg; replaces glycine 348 with arginine.
Molecular consequence: missense variant.
Genome position (GRCh38, 1-based): chr6:133,481,534, G>A. VCF-style: chr6-133481534-G-A. GRCh37 (hg19) VCF-style: chr6-133802672-G-A.
Other names: c.880G>A, p.Gly294Arg (NM_001301012.2); c.1060G>A, p.Gly354Arg (NM_001301013.2); c.973G>A, p.Gly325Arg (NM_001370458.1, NM_172103.4); c.898G>A, p.Gly300Arg (NM_001370459.1); c.1042G>A, p.Gly348Arg (NM_172105.4); short protein forms G325R, G354R, G300R, G294R, G348R.
Identifiers: ClinVar variation 2722584 (VCV002722584.3), dbSNP rs1279116848, ClinGen allele CA365706450.

ClinVar aggregate classification (germline): Uncertain significance (1 of 4 stars; one submission).

Conditions:
Dilated cardiomyopathy 1J (CMD1J). Also called: CARDIOMYOPATHY, DILATED, WITH SENSORINEURAL HEARING LOSS, AUTOSOMAL DOMINANT. Identifiers: Orphanet 217622, MedGen C1854368, MONDO:0011541, OMIM 605362.

Submission:

Labcorp Genetics (formerly Invitae), Labcorp
Classification: Uncertain significance for Dilated cardiomyopathy 1J. Last evaluated: 2022-12-02. Review status: criteria provided, single submitter. Criteria: Invitae Variant Classification Sherloc (09022015). Collection method: clinical testing. Allele origin: germline.
Comment: This sequence change replaces glycine, which is neutral and non-polar, with arginine, which is basic and polar, at codon 348 of the EYA4 protein (p.Gly348Arg). This variant is not present in population databases (gnomAD no frequency). This variant has not been reported in the literature in individuals affected with EYA4-related conditions. Algorithms developed to predict the effect of missense changes on protein structure and function are either unavailable or do not agree on the potential impact of this missense change (SIFT: "Tolerated"; PolyPhen-2: "Possibly Damaging"; Align-GVGD: "Class C0"). In summary, the available evidence is currently insufficient to determine the role of this variant in disease. Therefore, it has been classified as a Variant of Uncertain Significance.